The following is an entry in ClinVar:

NM_000256.3(MYBPC3):c.1976T>C (p.Ile659Thr)

Gene: MYBPC3 (myosin binding protein C3; minus strand). Cytogenetic location: 11p11.2.
Variant type: single nucleotide variant.
Coding change: c.1976T>C on transcript NM_000256.3 (MANE Select); coding-DNA position 1976, T replaced by C.
Protein change: p.Ile659Thr; replaces isoleucine 659 with threonine.
Molecular consequence: missense variant.
Genome position (GRCh38, 1-based): chr11:47,339,742, A>G on the plus strand (T>C on the coding strand, the complement: MYBPC3 is on the minus strand). VCF-style: chr11-47339742-A-G. GRCh37 (hg19) VCF-style: chr11-47361293-A-G.
Other names: short protein forms I659T.
Identifiers: ClinVar variation 42590 (VCV000042590.27), dbSNP rs397515941, ClinGen allele CA011581.

ClinVar aggregate classification (germline): Uncertain significance. Review status: criteria provided, multiple submitters, no conflicts (2 of 4 stars). 11 submissions from 11 submitters: Uncertain significance (11). Last evaluated 2026-05-15.

Conditions:
MYBPC3-related disorder. Also called: MYBPC3-related disorders; MYBPC3-related condition; MYBPC3-related disease.
Cardiovascular phenotype. Identifiers: MedGen CN230736.
Hypertrophic cardiomyopathy 4. Also called: Familial hypertrophic cardiomyopathy 4. Identifiers: MedGen C1861862, MONDO:0007268, OMIM 115197.
Left ventricular noncompaction 10 (LVNC10). Identifiers: Orphanet 154, Orphanet 54260, MedGen C3715165, MONDO:0014163, OMIM 615396.
Cardiomyopathy (CMYO). Also called: Cardiomyopathies. Identifiers: Orphanet 167848, MedGen C0878544, MONDO:0004994, HP:0001638. Inheritance: Various modes of inheritance.
Hypertrophic cardiomyopathy. Also called: HYPERTROPHIC MYOCARDIOPATHY. Identifiers: Orphanet 217569, MedGen C0007194, MeSH D002312, MONDO:0005045, HP:0001639.

Allele frequency attached by ClinVar (database versions not stated): TOPMed below 0.00001; gnomAD 0.00001; gnomAD exomes 0.00001.
gnomAD v4.1: 15 of 1,613,560 alleles (0.00093%); highest among the groups gnomAD compares: East Asian, 0.0022%; no homozygotes.

Submissions (11):

PreventionGenetics, part of Exact Sciences
Classification: Uncertain significance for MYBPC3-related condition. Last evaluated: 2026-05-15. Review status: criteria provided, single submitter. Criteria: ACMG Guidelines, 2015. Collection method: clinical testing. Allele origin: germline.
Comment: The MYBPC3 c.1976T>C variant is predicted to result in the amino acid substitution p.Ile659Thr. This variant has been reported in two individuals with dilated cardiomyopathy (Table S1, Pugh et al. 2014. PubMed ID: 24503780; Table S1B, Walsh et al. 2017. PubMed ID: 27532257) and has been reported to occur de novo in an individual within an autism cohort without additional phenotypic data (Table S3, Zhou. 2022. PubMed ID: 35982159). Additionally, a different amino acid substitution affecting the same amino acid (p.Ile659Met) has been reported in an individual with hypertrophic cardiomyopathy (Zou et al. 2013. PubMed ID: 23283745). . This variant is reported in 0.0065% of alleles in individuals of European (Non-Finnish) descent in gnomAD. Although we suspect that this variant may be pathogenic, at this time, the clinical significance of this variant is uncertain due to the absence of conclusive functional and genetic evidence.

Labcorp Genetics (formerly Invitae), Labcorp
Classification: Uncertain significance for Hypertrophic cardiomyopathy. Last evaluated: 2025-12-10. Review status: criteria provided, single submitter. Criteria: Invitae Variant Classification Sherloc (09022015). Collection method: clinical testing. Allele origin: germline.
Comment: This sequence change replaces isoleucine, which is neutral and non-polar, with threonine, which is neutral and polar, at codon 659 of the MYBPC3 protein (p.Ile659Thr). This variant is present in population databases (rs397515941, gnomAD 0.007%). This missense change has been observed in individual(s) with dilated cardiomyopathy (PMID: 24503780, 27532257; internal data). ClinVar contains an entry for this variant (Variation ID: 42590). An algorithm developed to predict the effect of missense changes on protein structure and function (PolyPhen-2) suggests that this variant is likely to be disruptive. In summary, the available evidence is currently insufficient to determine the role of this variant in disease. Therefore, it has been classified as a Variant of Uncertain Significance.

All of Us Research Program, National Institutes of Health
Classification: Uncertain significance for Hypertrophic cardiomyopathy. Last evaluated: 2023-10-23. Review status: criteria provided, single submitter. Criteria: ACMG Guidelines, 2015. Collection method: clinical testing. Allele origin: germline. Inheritance: Autosomal dominant inheritance. Observed: 1 variant allele, 1 heterozygote.
Comment: This missense variant replaces isoleucine with threonine at codon 659 of the MYBPC3 protein. Computational prediction suggests that this variant may have deleterious impact on protein structure and function (internally defined REVEL score threshold >= 0.7, PMID: 27666373). To our knowledge, functional studies have not been reported for this variant. This variant has been reported in at least 1 individual affected with dilated cardiomyopathy (PMID: 27532257). This variant has been identified in 1/31386 chromosomes in the general population by the Genome Aggregation Database (gnomAD). The available evidence is insufficient to determine the role of this variant in disease conclusively. Therefore, this variant is classified as a Variant of Uncertain Significance.

This study involves interpretation of variants in research participants for the purpose of population health screening. Participant phenotype was not available at the time of variant classification. Additional details can be found in publication PMID: 35346344, PMCID: PMC8962531

Ambry Genetics
Classification: Uncertain significance for Cardiovascular phenotype. Last evaluated: 2023-10-04. Review status: criteria provided, single submitter. Criteria: Ambry Variant Classification Scheme 2023. Collection method: clinical testing. Allele origin: germline.
Comment: The p.I659T variant (also known as c.1976T>C), located in coding exon 21 of the MYBPC3 gene, results from a T to C substitution at nucleotide position 1976. The isoleucine at codon 659 is replaced by threonine, an amino acid with similar properties. This variant has been detected in an infant with dilated cardiomyopathy; however it was also detected in the unaffected mother, and the proband's father was reported to have left ventricular hypertrophy (Pugh TJ et al. Genet. Med., 2014 Aug;16:601-8). This amino acid position is highly conserved in available vertebrate species. In addition, this alteration is predicted to be deleterious by in silico analysis. Since supporting evidence is limited at this time, the clinical significance of this alteration remains unclear.

Color Diagnostics, LLC DBA Color Health
Classification: Uncertain significance for Cardiomyopathy. Last evaluated: 2023-08-23. Review status: criteria provided, single submitter. Criteria: ACMG Guidelines, 2015. Collection method: clinical testing. Allele origin: germline.
Comment: This missense variant replaces isoleucine with threonine at codon 659 of the MYBPC3 protein. Computational prediction suggests that this variant may have deleterious impact on protein structure and function. To our knowledge, functional studies have not been reported for this variant. This variant has been reported in at least 1 individual affected with dilated cardiomyopathy (PMID: 27532257). This variant has been identified in 1/31386 chromosomes in the general population by the Genome Aggregation Database (gnomAD). The available evidence is insufficient to determine the role of this variant in disease conclusively. Therefore, this variant is classified as a Variant of Uncertain Significance.

Blueprint Genetics
Classification: Uncertain significance. Last evaluated: 2022-12-28. Review status: criteria provided, single submitter. Criteria: ACMG Guidelines, 2015. Collection method: clinical testing. Allele origin: germline.

Fulgent Genetics
Classification: Uncertain significance for Hypertrophic cardiomyopathy 4; Left ventricular noncompaction 10. Last evaluated: 2021-11-16. Review status: criteria provided, single submitter. Criteria: ACMG Guidelines, 2015. Collection method: clinical testing. Allele origin: unknown.

Women's Health and Genetics/Laboratory Corporation of America, LabCorp
Classification: Uncertain significance. Last evaluated: 2021-10-17. Review status: criteria provided, single submitter. Criteria: LabCorp Variant Classification Summary - May 2015. Collection method: clinical testing. Allele origin: germline.
Comment: Variant summary: MYBPC3 c.1976T>C (p.Ile659Thr) results in a non-conservative amino acid change in the encoded protein sequence. Three of four in-silico tools predict a damaging effect of the variant on protein function. The variant was absent in 249216 control chromosomes. The available data on variant occurrences in the general population are insufficient to allow any conclusion about variant significance. c.1976T>C has been reported in the literature as a variant of uncertain clinical significance (VUS) in at-least one individual with a clinical diagnosis of Dilated Cardiomyopathy who underwent a comprehensive genetic assessment on a panel of 19 genes at a reference laboratory (example, Pugh_2014). This individual has been subsequently cited by others (example, Walsh_2017). These report(s) do not provide unequivocal conclusions about association of the variant with Cardiomyopathy. To our knowledge, no experimental evidence demonstrating an impact on protein function has been reported. Three clinical diagnostic laboratories have submitted clinical-significance assessments for this variant to ClinVar after 2014 without evidence for independent evaluation. All laboratories classified the variant as uncertain significance. Based on the evidence outlined above, the variant was classified as uncertain significance.

GeneDx
Classification: Uncertain significance. Last evaluated: 2020-03-09. Review status: criteria provided, single submitter. Criteria: GeneDx Variant Classification Process June 2021. Collection method: clinical testing. Allele origin: germline. Affected: yes.
Comment: Reported in ClinVar as a variant of uncertain significance (ClinVar Variant ID# 42590; Landrum et al., 2016); Not observed at a significant frequency in large population cohorts (Lek et al., 2016); In silico analysis supports that this missense variant has a deleterious effect on protein structure/function; This variant is associated with the following publications: (PMID: 27532257, 24503780)

Laboratory for Molecular Medicine, Mass General Brigham Personalized Medicine
Classification: Uncertain significance. Last evaluated: 2012-07-11. Review status: criteria provided, single submitter. Criteria: LMM Criteria. Collection method: clinical testing. Allele origin: germline. Observed: 2 variant alleles.
Comment: Variant classified as Uncertain Significance - Favor Pathogenic. The Ile659Thr v ariant in MYBPC3 has not been reported in the literature nor been detected in la rge and broad populations (European and African American) screened by the NHLBI Exome Sequencing Project. This low frequency is consistent with a disease causing role but insufficient to establish this wit h confidence. Comp utational analyses (biochemical amino acid properties, conservation, AlignGVGD, and SIFT) suggest that this variant may impact the protein, though this informat ion is not predictive enough to determine pathogenicity. Additional studies are needed to fully assess its clinical significance.

Stanford Center for Inherited Cardiovascular Disease, Stanford University
Classification: Uncertain significance. Last evaluated: 2011-03-10. Review status: criteria provided, single submitter. Criteria: ACMG Guidelines, 2015. Collection method: provider interpretation. Allele origin: germline.

Literature cited by the submitters: PubMed 24503780 (cited by 3 submitters); PubMed 27532257 (cited by 5 submitters); PubMed 23283745 (cited by Ambry Genetics).